The following continues an entry in ClinVar:

NM_000051.4(ATM):c.824del (p.Ser274_Leu275insTer)

Gene: ATM. ClinVar aggregate classification (germline): Pathogenic. Pathogenic (1).

Submissions 12 to 16 of 16:

Molecular Genetics, Royal Melbourne Hospital
Classification: Pathogenic for Ataxia-telangiectasia syndrome. Last evaluated: 2023-03-30. Review status: criteria provided, single submitter. Criteria: ACMG Guidelines, 2015. Collection method: clinical testing. Allele origin: germline. Affected: no. Not counted in ClinVar's aggregate classification.
Comment: This sequence change in ATM is a frameshift variant predicted to cause a premature stop codon (p.(Leu275*)) in biologically-relevant-exon 7/63 leading to nonsense mediated decay in a gene in which loss-of-function is an established disease mechanism (ClinGen). The highest population minor allele frequency in gnomAD v2.1 is 0.002% (2/113,464 alleles) in the European (non-Finnish) population, which is lower than the credible allele frequency for a recessive condtion and ATM-related hereditary cancer. This variant has been reported in at least one family with breast cancer (PMID: 27599564, 29271107). This variant has been detected homozygous and compound heterozygous with a pathogenic variant in individuals with ataxia-telangiectasia (PMID: 9463314, 9887333). Based on the classification scheme RMH Modified ACMG Guidelines v1.4.0, this variant is classified as PATHOGENIC. Following criteria are met: PVS1, PM3, PM2_Supporting.

Color Diagnostics, LLC DBA Color Health
Classification: Pathogenic for Hereditary cancer-predisposing syndrome. Last evaluated: 2022-08-01. Review status: criteria provided, single submitter. Criteria: ACMG Guidelines, 2015. Collection method: clinical testing. Allele origin: germline. Not counted in ClinVar's aggregate classification.
Comment: This variant, also known as c.822delT, deletes 1 nucleotide in exon 7 of the ATM gene, creating a frameshift and premature translation stop signal. This variant is expected to result in an absent or non-functional protein product. This variant has been observed in multiple individuals affected with ataxia-telangiectasia, including at least one homozygous case (PMID: 9463314, 9887333). This variant has also been observed in individuals affected with breast cancer, including at least one early-onset case (PMID: 27599564, 28779002, 29271107, 33471991). In a large international case-control study, this variant was reported in 3/60466 breast cancer cases and absent in 53461 controls (PMID: 33471991). In a separate case-control study conducted in the UK, this variant was identified in 3/13087 breast cancer cases and absent in 5488 controls (PMID: 28779002). This variant has been identified in 2/250836 chromosomes in the general population by the Genome Aggregation Database (gnomAD). Loss of ATM function is a known mechanism of disease. Based on the available evidence, this variant is classified as Pathogenic.

Division of Human Genetics, Children's Hospital of Philadelphia
Classification: Pathogenic for Ataxia-telangiectasia syndrome. Last evaluated: 2016-02-21. Review status: no assertion criteria provided. Collection method: research. Allele origin: paternal. Study: CSER-PediSeq. Not counted in ClinVar's aggregate classification.

Clinical Genetics DNA and cytogenetics Diagnostics Lab, Erasmus MC, Erasmus Medical Center
Classification: Pathogenic. Review status: no assertion criteria provided. Collection method: clinical testing. Allele origin: germline. Affected: yes. Study: VKGL Data-share Consensus. Not counted in ClinVar's aggregate classification.

Laboratory of Diagnostic Genome Analysis, Leiden University Medical Center (LUMC)
Classification: Pathogenic. Review status: no assertion criteria provided. Collection method: clinical testing. Allele origin: germline. Affected: yes. Study: VKGL Data-share Consensus. Not counted in ClinVar's aggregate classification.

Literature cited by the submitters: PubMed 9887333 (cited by 6 submitters); PubMed 26896183 (cited by Ambry Genetics and Institute for Genomic Medicine (IGM) Clinical Laboratory, Nationwide Children's Hospital); PubMed 27599564 (cited by 5 submitters); PubMed 28779002 (cited by Ambry Genetics and Color Diagnostics, LLC DBA Color Health); PubMed 29271107 (cited by 4 submitters); PubMed 31948886 (cited by Ambry Genetics); PubMed 33471991 (cited by Ambry Genetics and Color Diagnostics, LLC DBA Color Health); PubMed 9463314 (cited by 5 submitters); PubMed 23807571 (cited by Labcorp Genetics (formerly Invitae), Labcorp); PubMed 25614872 (cited by Labcorp Genetics (formerly Invitae), Labcorp); PubMed 21792198 (cited by Institute for Genomic Medicine (IGM) Clinical Laboratory, Nationwide Children's Hospital).